The following is an entry in ClinVar:

ClinVar aggregate classification (germline): Pathogenic (1 of 4 stars; one submission).

Conditions:
Rare genetic deafness. Identifiers: Orphanet 96210, MedGen C5680250.

Submission:

Laboratory for Molecular Medicine, Mass General Brigham Personalized Medicine
Classification: Pathogenic for Rare genetic deafness. Last evaluated: 2015-04-22. Review status: criteria provided, single submitter. Criteria: LMM Criteria. Collection method: clinical testing. Allele origin: germline. Inheritance: Autosomal dominant inheritance. Observed: 1 variant allele.
Comment: The exon 4 deletion in SOX10 has not been previously reported in individuals wit h Waardenburg syndrome; however, a large overlapping insertion-deletion has been reported in an individual with Waardenburg syndrome type 4 who presented with H irschsprung disease, sensorineural hearing loss, hair and skin hypopigmentation, and bilateral cryptorchidism (Bondurand 2007, reported as c.697-740_1085delinsC CT). The exact breakpoints of the deletion in this individual cannot be determin ed due to limitations of the testing methodology; however this variant is predic ted to result in a truncated or absent protein. Truncating variants in the SOX10 gene are known to be disease causing for Waardenburg syndrome type 4 (WS4), and those located in the last coding exon (exon 4) have been associated with PCWH s yndrome (Peripheral demyelinating neuropathy, central dysmyelinating leukodystro phy, Waardenburg syndrome, and Hirschsprung disease) (Pingault 2010). In summary , this variant meets our criteria to be classified as pathogenic for Waardenburg syndrome in an autosomal dominant manner (/lmm), based on the predicted impact of the variant.

Literature cited by the submitters: PubMed 17999358; PubMed 20127975.

NM_006941.3(SOX10):c.(?_698)_(1401_?)del

Genes: POLR2F (RNA polymerase II, I and III subunit F; plus strand), SOX10 (SRY-box transcription factor 10; minus strand). Cytogenetic location: 22q13.1.
Variant type: Deletion.
Coding change: c.(?_698)_(1401_?)del on transcript NM_006941.3; a large deletion whose breakpoints are not mapped to the base.
Other names: c.(?_698)_(1401_?)del (LRG_271t1).
Identifiers: ClinVar variation 228398 (VCV000228398.5).